The following is an entry in ClinVar:

NM_003070.5(SMARCA2):c.3591A>C (p.Lys1197Asn)

Gene: SMARCA2 (SWI/SNF related BAF chromatin remodeling complex subunit ATPase 2; plus strand). Cytogenetic location: 9p24.3.
Variant type: single nucleotide variant.
Coding change: c.3591A>C on transcript NM_003070.5 (MANE Select); coding-DNA position 3591, A replaced by C.
Protein change: p.Lys1197Asn; replaces lysine 1197 with asparagine.
Molecular consequence: missense variant.
Genome position (GRCh38, 1-based): chr9:2,115,956, A>C. VCF-style: chr9-2115956-A-C. GRCh37 (hg19) VCF-style: chr9-2115956-A-C.
Other names: c.3591A>C, p.Lys1197Asn (NM_001289396.2, NM_139045.4); c.3417A>C, p.Lys1139Asn (NM_001289397.2); short protein forms K1139N, K1197N.
Identifiers: ClinVar variation 4854326 (VCV004854326.1).

ClinVar aggregate classification (germline): Uncertain significance (1 of 4 stars; one submission).

Conditions:
Nicolaides-Baraitser syndrome (NCBRS). Also called: SMARCA2-Related Nicolaides-Baraitser Syndrome; Intellectual disability-sparse hair-brachydactyly syndrome. Identifiers: Orphanet 3051, MedGen C1303073, MONDO:0011053, OMIM 601358.

Submission:

3billion
Classification: Uncertain significance for Nicolaides-Baraitser syndrome. Last evaluated: 2026-01-06. Review status: criteria provided, single submitter. Criteria: ACMG Guidelines, 2015. Collection method: clinical testing. Allele origin: germline. Affected: yes.
Comment: The variant is not observed in the gnomAD v4.1.0 dataset. Predicted Consequence/Location: Missense variant. Missense changes are a common disease-causing mechanism. In silico tool predictions suggest damaging effect of the variant on gene or gene product [REVEL: 0.45 (>=0.6, sensitivity 0.68 and specificity 0.92); 3Cnet: 0.99 (> 0.75, sensitivity 0.96 and precision 0.92)]. Therefore, this variant is classified as VUS according to the recommendation of ACMG/AMP guideline.